The following is an entry in ClinVar:

ClinVar aggregate classification (germline): Likely benign (1 of 4 stars; one submission).

gnomAD v4.1: 56 of 1,609,912 alleles (0.0035%); highest among the groups gnomAD compares: Non-Finnish European, 0.0048%; no homozygotes.

Submission:

CeGaT Center for Human Genetics Tuebingen
Classification: Likely benign. Last evaluated: 2026-01-01. Review status: criteria provided, single submitter. Criteria: CeGaT Center For Human Genetics Tuebingen Variant Classification Criteria Version 2. Collection method: clinical testing. Allele origin: germline. Affected: yes. Observed: 1 variant allele.
Comment: BMPR1B: BP4, BP7

NM_001203.3(BMPR1B):c.435T>C (p.Phe145=)

Gene: BMPR1B (bone morphogenetic protein receptor type 1B; plus strand). Cytogenetic location: 4q22.3.
Variant type: single nucleotide variant.
Coding change: c.435T>C on transcript NM_001203.3 (MANE Select); coding-DNA position 435, T replaced by C.
Protein change: p.Phe145=; no amino-acid change (phenylalanine 145 retained).
Molecular consequence: synonymous variant.
Genome position (GRCh38, 1-based): chr4:95,123,895, T>C. VCF-style: chr4-95123895-T-C. GRCh37 (hg19) VCF-style: chr4-96045046-T-C.
Other names: c.435T>C, p.Phe145= (NM_001256792.2, NM_001256794.1); c.525T>C, p.Phe175= (NM_001256793.2).
Identifiers: ClinVar variation 4822039 (VCV004822039.4).
Genomic context (GRCh38, chr4:95,123,895, plus strand): 5'-CAGGGCTTTACTTATATCTGTGACTGTCTGTAGTTTGCTCTTGGTCCTTATCATATTATT[T>C]TGTTACTTCCGGTAAGTTTCTAACATGTAGATGCAAAATTTTTAATTTATAGTGTCTTCT-3'
Protein context (NP_001194.1, residues 135-155): CSLLLVLIIL[Phe145=]CYFRYKRQET